The following is an entry in ClinVar:

NC_012920.1(MT-ND1):m.4029C>A

Gene: MT-ND1 (mitochondrially encoded NADH dehydrogenase 1; plus strand).
Variant type: single nucleotide variant.
Genome position: chrM-4029-C-A.
Identifiers: ClinVar variation 692415 (VCV000692415.1), dbSNP rs1603219264, ClinGen allele CA913176820.
Genomic context (GRCh38, chrMT:4,029, plus strand): 5'-CCTATTCTTCATAGCCGAATACACAAACATTATTATAATAAACACCCTCACCACTACAAT[C>A]TTCCTAGGAACAACATATGACGCACTCTCCCCTGAACTCTACACAACATATTTTGTCACC-3'

ClinVar aggregate classification (germline): Likely benign (1 of 4 stars; one submission).

Conditions:
Leigh syndrome (NULS). Also called: Leigh's necrotizing encephalopathy; Leigh's disease; Leigh Syndrome (mtDNA deletion); Leigh Disease; Subacute necrotizing encephalopathy; Necrotizing encephalopathy infantile subacute of Leigh. Identifiers: Orphanet 506, MedGen C2931891, MONDO:0009723, OMIM 256000.

Submission:

Wong Mito Lab, Molecular and Human Genetics, Baylor College of Medicine
Classification: Likely benign for Leigh syndrome. Last evaluated: 2019-10-17. Review status: criteria provided, single submitter. Criteria: Modified ACMG Guidelines (Unpublished). Collection method: clinical testing. Allele origin: germline.
Comment: The NC_012920.1:m.4029C>A (YP_003024026.1:p.Ile241Met) variant in MTND1 gene is interpretated to be a Likely Benign variant based on the modified ACMG guidelines (unpublished). This variant meets the following evidence codes: BS1, BP6